The following is an entry in ClinVar:

NM_005228.5(EGFR):c.1881-858G>A

Gene: EGFR (epidermal growth factor receptor; plus strand). Cytogenetic location: 7p11.2.
Variant type: single nucleotide variant.
Coding change: c.1881-858G>A on transcript NM_005228.5 (MANE Select); 858 bases into the intron before coding-DNA position 1881, G replaced by A.
Molecular consequence: intron variant. On other transcripts: missense variant (1).
Genome position (GRCh38, 1-based): chr7:55,170,317, G>A. VCF-style: chr7-55170317-G-A. GRCh37 (hg19) VCF-style: chr7-55238010-G-A.
Other names: c.1891G>A, p.Glu631Lys (NM_201284.2); c.1746-858G>A (NM_001346899.2, NM_001346897.2); c.1080-858G>A (NM_001346941.2); c.1881-858G>A (NM_001346898.2); c.1722-858G>A (NM_001346900.2); short protein forms E631K.
Identifiers: ClinVar variation 5035755 (VCV005035755.1).

ClinVar aggregate classification (germline): Uncertain significance (1 of 4 stars; one submission).

Conditions:
Hereditary cancer-predisposing syndrome. Also called: Hereditary Cancer Syndrome; Neoplastic Syndromes, Hereditary; Tumor predisposition; Hereditary neoplastic syndrome. Identifiers: Orphanet 140162, MedGen C0027672, MeSH D009386, MONDO:0015356.

gnomAD v4.1: 6 of 1,614,038 alleles (0.00037%); highest among the groups gnomAD compares: Middle Eastern, 0.016%; no homozygotes.

Submission:

Ambry Genetics
Classification: Uncertain significance for Hereditary cancer-predisposing syndrome. Last evaluated: 2026-07-07. Review status: criteria provided, single submitter. Criteria: Ambry Variant Classification Scheme 2023. Collection method: clinical testing. Allele origin: germline.
Comment: The p.E631K variant (also known as c.1891G>A), located in coding exon 16 of the EGFR gene, results from a G to A substitution at nucleotide position 1891. The glutamic acid at codon 631 is replaced by lysine, an amino acid with similar properties. This amino acid position is conserved. In addition, this alteration is predicted to be tolerated by in silico analysis. Based on the available evidence, the clinical significance of this variant remains unclear.